The following is an entry in ClinVar:

NM_006364.4(SEC23A):c.539G>A (p.Cys180Tyr)

Gene: SEC23A (SEC23 homolog A, COPII component; minus strand). Cytogenetic location: 14q21.1.
Variant type: single nucleotide variant.
Coding change: c.539G>A on transcript NM_006364.4 (MANE Select); coding-DNA position 539, G replaced by A.
Protein change: p.Cys180Tyr; replaces cysteine 180 with tyrosine.
Molecular consequence: missense variant.
Genome position (GRCh38, 1-based): chr14:39,091,541, C>T on the plus strand (G>A on the coding strand, the complement: SEC23A is on the minus strand). VCF-style: chr14-39091541-C-T. GRCh37 (hg19) VCF-style: chr14-39560745-C-T.
Other names: c.539G>A (NM_006364.2); short protein forms C180Y.
Identifiers: ClinVar variation 3021397 (VCV003021397.4), dbSNP rs1887662475, ClinGen allele CA389536629.

ClinVar aggregate classification (germline): Uncertain significance. Review status: criteria provided, multiple submitters, no conflicts (2 of 4 stars). 2 submissions from 2 submitters: Uncertain significance (2). Last evaluated 2025-12-15.

Conditions:
Craniolenticulosutural dysplasia (CLSD). Also called: BOYADJIEV-JABS SYNDROME. Identifiers: Orphanet 50814, MedGen C1843042, MONDO:0011911, OMIM 607812.

Allele frequency attached by ClinVar (database versions not stated): gnomAD 0.00001; gnomAD exomes 0.00001.

Submissions (2):

Ambry Genetics
Classification: Uncertain significance. Last evaluated: 2025-12-15. Review status: criteria provided, single submitter. Criteria: Ambry Variant Classification Scheme 2023. Collection method: clinical testing. Allele origin: germline.

Labcorp Genetics (formerly Invitae), Labcorp
Classification: Uncertain significance for Craniolenticulosutural dysplasia. Last evaluated: 2025-02-27. Review status: criteria provided, single submitter. Criteria: Invitae Variant Classification Sherloc (09022015). Collection method: clinical testing. Allele origin: germline.
Comment: This sequence change replaces cysteine, which is neutral and slightly polar, with tyrosine, which is neutral and polar, at codon 180 of the SEC23A protein (p.Cys180Tyr). This variant is not present in population databases (gnomAD no frequency). This variant has not been reported in the literature in individuals affected with SEC23A-related conditions. ClinVar contains an entry for this variant (Variation ID: 3021397). Invitae Evidence Modeling of protein sequence and biophysical properties (such as structural, functional, and spatial information, amino acid conservation, physicochemical variation, residue mobility, and thermodynamic stability) indicates that this missense variant is not expected to disrupt SEC23A protein function with a negative predictive value of 80%. In summary, the available evidence is currently insufficient to determine the role of this variant in disease. Therefore, it has been classified as a Variant of Uncertain Significance.